The following is an entry in ClinVar:

NM_001369369.1(FOXN1):c.689C>G (p.Pro230Arg)

Gene: FOXN1 (forkhead box N1; plus strand). Cytogenetic location: 17q11.2.
Variant type: single nucleotide variant.
Coding change: c.689C>G on transcript NM_001369369.1 (MANE Select); coding-DNA position 689, C replaced by G.
Protein change: p.Pro230Arg; replaces proline 230 with arginine.
Molecular consequence: missense variant.
Genome position (GRCh38, 1-based): chr17:28,527,351, C>G. VCF-style: chr17-28527351-C-G. GRCh37 (hg19) VCF-style: chr17-26854369-C-G.
Other names: c.689C>G, p.Pro230Arg (NM_003593.3); short protein forms P230R.
Identifiers: ClinVar variation 1403864 (VCV001403864.8), dbSNP rs368285745, ClinGen allele CA8459292.
Genomic context (GRCh38, chr17:28,527,351, plus strand): 5'-GTGCTGGGATGTTCTGCTACCAGCCTCCCTTGCAGCATATGTACTGCTCCTCCCAGCCCC[C>G]CTTCCACCAGGTGGGTCTGGGGCAAGTGGGCCTGCTTCCCCCAGGTCTGAGGATATCGTG-3'
Protein context (NP_001356298.1, residues 220-240): LQHMYCSSQP[Pro230Arg]FHQYSPGGGS

ClinVar aggregate classification (germline): Conflicting classifications of pathogenicity. Review status: criteria provided, conflicting classifications (1 of 4 stars). 2 submissions from 2 submitters: Uncertain significance (1); Likely benign (1). Last evaluated 2025-12-21.

Conditions:
T-cell immunodeficiency, congenital alopecia, and nail dystrophy. Also called: Congenital alopecia and nail dystrophy associated with severe functional T-cell immunodeficiency; Pignata Guarino syndrome. Identifiers: Orphanet 169095, MedGen C1866426, MONDO:0011132, OMIM 601705.

gnomAD v4.1: 106 of 1,608,418 alleles (0.0066%); highest among the groups gnomAD compares: East Asian, 0.13%; 1 homozygote.

Submissions (2):

Labcorp Genetics (formerly Invitae), Labcorp
Classification: Uncertain significance for T-cell immunodeficiency, congenital alopecia, and nail dystrophy. Last evaluated: 2025-12-21. Review status: criteria provided, single submitter. Criteria: Invitae Variant Classification Sherloc (09022015). Collection method: clinical testing. Allele origin: germline.
Comment: This sequence change replaces proline, which is neutral and non-polar, with arginine, which is basic and polar, at codon 230 of the FOXN1 protein (p.Pro230Arg). This variant is present in population databases (rs368285745, gnomAD 0.1%). This variant has not been reported in the literature in individuals affected with FOXN1-related conditions. ClinVar contains an entry for this variant (Variation ID: 1403864). Invitae Evidence Modeling of protein sequence and biophysical properties (such as structural, functional, and spatial information, amino acid conservation, physicochemical variation, residue mobility, and thermodynamic stability) indicates that this missense variant is not expected to disrupt FOXN1 protein function with a negative predictive value of 80%. Experimental studies have shown that this missense change does not substantially affect FOXN1 function (PMID: 37419334). In summary, the available evidence is currently insufficient to determine the role of this variant in disease. Therefore, it has been classified as a Variant of Uncertain Significance.

Blueprint Genetics
Classification: Likely benign. Last evaluated: 2024-04-04. Review status: criteria provided, single submitter. Criteria: ACMG Guidelines, 2015. Collection method: clinical testing. Allele origin: germline.

Literature cited by the submitters: PubMed 37419334 (cited by Labcorp Genetics (formerly Invitae), Labcorp).